The following is an entry in ClinVar:

ClinVar aggregate classification (germline): Uncertain significance (1 of 4 stars; one submission).

gnomAD v4.1: 5 of 1,613,602 alleles (0.00031%); highest among the groups gnomAD compares: Non-Finnish European, 0.00042%; no homozygotes.

Submission:

Labcorp Genetics (formerly Invitae), Labcorp
Classification: Uncertain significance. Last evaluated: 2024-11-12. Review status: criteria provided, single submitter. Criteria: Invitae Variant Classification Sherloc (09022015). Collection method: clinical testing. Allele origin: germline.
Comment: This sequence change replaces arginine, which is basic and polar, with histidine, which is basic and polar, at codon 461 of the P4HB protein (p.Arg461His). The frequency data for this variant in the population databases is considered unreliable, as metrics indicate poor data quality at this position in the gnomAD database. This variant has not been reported in the literature in individuals affected with P4HB-related conditions. Invitae Evidence Modeling of protein sequence and biophysical properties (such as structural, functional, and spatial information, amino acid conservation, physicochemical variation, residue mobility, and thermodynamic stability) indicates that this missense variant is not expected to disrupt P4HB protein function with a negative predictive value of 80%. In summary, the available evidence is currently insufficient to determine the role of this variant in disease. Therefore, it has been classified as a Variant of Uncertain Significance.

NM_000918.4(P4HB):c.1382G>A (p.Arg461His)

Gene: P4HB (prolyl 4-hydroxylase subunit beta; minus strand). Cytogenetic location: 17q25.3.
Variant type: single nucleotide variant.
Coding change: c.1382G>A on transcript NM_000918.4 (MANE Select); coding-DNA position 1382, G replaced by A.
Protein change: p.Arg461His; replaces arginine 461 with histidine.
Molecular consequence: missense variant.
Genome position (GRCh38, 1-based): chr17:81,845,208, C>T on the plus strand (G>A on the coding strand, the complement: P4HB is on the minus strand). VCF-style: chr17-81845208-C-T. GRCh37 (hg19) VCF-style: chr17-79803084-C-T.
Other names: short protein forms R461H.
Identifiers: ClinVar variation 3675957 (VCV003675957.2).